The following is an entry in ClinVar:

NM_001142800.2(EYS):c.73_76dup (p.Arg26fs)

Gene: EYS (EGF-like photoreceptor maintenance factor; minus strand). Cytogenetic location: 6q12.
Variant type: Duplication.
Coding change: c.73_76dup on transcript NM_001142800.2 (MANE Select); coding-DNA positions 73 to 76, 4 bases duplicated (AGAC; older notation c.73_76dupAGAC).
Protein change: p.Arg26fs; shifts the reading frame from arginine 26.
Molecular consequence: frameshift variant.
Genome position (GRCh38, 1-based): chr6:65,495,335-65,495,338, GTCT duplicated on the plus strand (AGAC on the coding strand, the reverse complement: EYS is on the minus strand). VCF-style (leftmost placement, unchanged base first): chr6-65495334-C-CGTCT. GRCh37 (hg19) VCF-style: chr6-66205227-C-CGTCT.
Other names: c.73_76dup, p.Arg26fs (NM_001142801.2, NM_001292009.2, NM_198283.2); short protein forms R26fs.
Identifiers: ClinVar variation 5003667 (VCV005003667.1).
Genomic context (GRCh38, chr6:65,495,334, plus strand): 5'-GTTAGTGTCCAATTTACCACATATGATGAGGGTTGTGGATGCCATTCTTCCACCAATTGC[C>CGTCT]GTCTACATGTTTTTCCATTTATGAAAGAGCTGTGAAAAACCATCAGGCTCAGAATGACGA-3'

ClinVar aggregate classification (germline): Pathogenic (1 of 4 stars; one submission).

Conditions:
Retinitis pigmentosa 25 (RP25). Identifiers: Orphanet 791, MedGen C1864446, MONDO:0011272, OMIM 602772.

Submission:

Myriad Genetics, Inc.
Classification: Pathogenic for Retinitis pigmentosa 25. Last evaluated: 2025-12-05. Review status: criteria provided, single submitter. Criteria: Myriad Autosomal Dominant, Autosomal Recessive and X-Linked Classification Criteria (2023). Collection method: clinical testing. Allele origin: unknown.
Comment: NM_001142800.1(EYS):c.73_76dupAGAC(R26Qfs*41) is a frameshift variant classified as pathogenic in the context of retinitis pigmentosa, EYS-related. R26Qfs*41 has not been observed in cases with relevant disease. Relevant functional assessments of this variant are not available in the literature. R26Qfs*41 has not been observed in referenced population frequency databases. In summary, NM_001142800.1(EYS):c.73_76dupAGAC(R26Qfs*41) is a frameshift variant in a gene where loss of function is a known mechanism of disease and is predicted to disrupt protein function. Please note: this variant was assessed in the context of healthy population screening.